The following is an entry in ClinVar:

ClinVar aggregate classification (germline): Likely pathogenic (1 of 4 stars; one submission).

Conditions:
Arrhythmogenic right ventricular dysplasia 9 (ARVD9). Also called: Arrhythmogenic Right Ventricular Dysplasia/Cardiomyopathy 9; ARRHYTHMOGENIC RIGHT VENTRICULAR DYSPLASIA, FAMILIAL, 9. Identifiers: MedGen C1836906, MONDO:0012180, OMIM 609040.

Submission:

Juno Genomics, Hangzhou Juno Genomics, Inc
Classification: Likely pathogenic for Arrhythmogenic right ventricular dysplasia 9. Review status: criteria provided, single submitter. Criteria: ACMG Guidelines, 2015. Collection method: clinical testing. Allele origin: germline.
Comment: Absent from controls (or at extremely low frequency if recessive) in Genome Aggregation Database.;Null variant in a gene where loss of function (LOF) is a known mechanism of disease.

NM_001005242.3(PKP2):c.1845C>G (p.Tyr615Ter)

Gene: PKP2 (plakophilin 2; minus strand). Cytogenetic location: 12p11.21.
Variant type: single nucleotide variant.
Coding change: c.1845C>G on transcript NM_001005242.3 (MANE Select); coding-DNA position 1845, C replaced by G.
Protein change: p.Tyr615Ter; replaces tyrosine 615 with a stop codon.
Molecular consequence: nonsense.
Genome position (GRCh38, 1-based): chr12:32,821,524, G>C on the plus strand (C>G on the coding strand, the complement: PKP2 is on the minus strand). VCF-style: chr12-32821524-G-C. GRCh37 (hg19) VCF-style: chr12-32974458-G-C.
Other names: c.1845C>G, p.Tyr615Ter (NM_001407155.1, NM_001407161.1); c.1680C>G, p.Tyr560Ter (NM_001407156.1); c.1977C>G, p.Tyr659Ter (NM_001407157.1, NM_004572.4); c.1518C>G, p.Tyr506Ter (NM_001407158.1, NM_001407159.1, NM_001407160.1 and 1 more transcripts); short protein forms Y615*, Y506*, Y560*, Y659*.
Identifiers: ClinVar variation 5007630 (VCV005007630.2).
Genomic context (GRCh38, chr12:32,821,524, plus strand): 5'-ATGCCACAGCCACTCCACGCCCTTGGGGTTGCTCTTTTCCTCCGGCATCGGCACGTCCTG[G>C]TATTGCTGACCACACACAAAAGGAATCCAGAATTAATGCATGTCAGGTGATGGCTATAAT-3'